The following is an entry in ClinVar:

ClinVar aggregate classification (germline): Uncertain significance. Review status: criteria provided, multiple submitters, no conflicts (2 of 4 stars). 2 submissions from 2 submitters: Uncertain significance (2). Last evaluated 2024-07-24.

Conditions:
Charcot-Marie-Tooth disease dominant intermediate C (CMTDIC). Also called: CHARCOT-MARIE-TOOTH NEUROPATHY, DOMINANT INTERMEDIATE C. Identifiers: Orphanet 100045, MedGen C1842237, MONDO:0012012, OMIM 608323.

Allele frequency attached by ClinVar (database versions not stated): ExAC 0.00001; gnomAD 0.00001; gnomAD exomes 0.00001; TOPMed 0.00002.
gnomAD v4.1: 17 of 1,614,036 alleles (0.0011%); highest among the groups gnomAD compares: Non-Finnish European, 0.0014%; no homozygotes.

Submissions (2):

Labcorp Genetics (formerly Invitae), Labcorp
Classification: Uncertain significance for Charcot-Marie-Tooth disease dominant intermediate C. Last evaluated: 2024-07-24. Review status: criteria provided, single submitter. Criteria: Invitae Variant Classification Sherloc (09022015). Collection method: clinical testing. Allele origin: germline.
Comment: This sequence change replaces arginine, which is basic and polar, with glutamine, which is neutral and polar, at codon 400 of the YARS protein (p.Arg400Gln). This variant is present in population databases (rs746892773, gnomAD 0.002%). This variant has not been reported in the literature in individuals affected with YARS-related conditions. ClinVar contains an entry for this variant (Variation ID: 1030694). Advanced modeling of protein sequence and biophysical properties (such as structural, functional, and spatial information, amino acid conservation, physicochemical variation, residue mobility, and thermodynamic stability) performed at Invitae indicates that this missense variant is expected to disrupt YARS protein function with a positive predictive value of 80%. In summary, the available evidence is currently insufficient to determine the role of this variant in disease. Therefore, it has been classified as a Variant of Uncertain Significance.

Baylor Genetics
Classification: Uncertain significance for Charcot-Marie-Tooth disease dominant intermediate C. Last evaluated: 2019-06-21. Review status: criteria provided, single submitter. Criteria: ACMG Guidelines, 2015. Collection method: clinical testing. Allele origin: unknown. Affected: yes.
Comment: This variant was determined to be of uncertain significance according to ACMG Guidelines, 2015 [PMID:25741868].

NM_003680.4(YARS1):c.1199G>A (p.Arg400Gln)

Gene: YARS1 (tyrosyl-tRNA synthetase 1; minus strand). Cytogenetic location: 1p35.1.
Variant type: single nucleotide variant.
Coding change: c.1199G>A on transcript NM_003680.4 (MANE Select); coding-DNA position 1199, G replaced by A.
Protein change: p.Arg400Gln; replaces arginine 400 with glutamine.
Molecular consequence: missense variant.
Genome position (GRCh38, 1-based): chr1:32,780,220, C>T on the plus strand (G>A on the coding strand, the complement: YARS1 is on the minus strand). VCF-style: chr1-32780220-C-T. GRCh37 (hg19) VCF-style: chr1-33245821-C-T.
Other names: short protein forms R400Q.
Identifiers: ClinVar variation 1030694 (VCV001030694.4), dbSNP rs746892773, ClinGen allele CA744957.